The following is an entry in ClinVar:

NM_000018.4(ACADVL):c.1332+34G>A

Gene: ACADVL (acyl-CoA dehydrogenase very long chain; plus strand). Cytogenetic location: 17p13.1.
Variant type: single nucleotide variant.
Coding change: c.1332+34G>A on transcript NM_000018.4 (MANE Select); 34 bases into the intron after coding-DNA position 1332, G replaced by A.
Molecular consequence: intron variant.
Genome position (GRCh38, 1-based): chr17:7,223,909, G>A. VCF-style: chr17-7223909-G-A. GRCh37 (hg19) VCF-style: chr17-7127228-G-A.
Other names: c.1401+34G>A (NM_001270447.2); c.1104+34G>A (NM_001270448.2); c.1266+34G>A (NM_001033859.3).
Identifiers: ClinVar variation 5018202 (VCV005018202.1).
Genomic context (GRCh38, chr17:7,223,909, plus strand): 5'-ATCATGGGGGGTATGGGCTTCATGAAGGTACAGGACGGTCTTCTGCAGAGCCTCGGCTGG[G>A]CCAGGGGTGGGTAGGCACATCTCAGCACGGGCATATAATTTGTGTGGCCCTGTGCTAGGA-3'

ClinVar aggregate classification (germline): Uncertain significance (1 of 4 stars; one submission).

gnomAD v4.1: 3 of 1,613,708 alleles (0.00019%); highest among the groups gnomAD compares: African/African-American, 0.0013%; no homozygotes.

Submission:

GeneDx
Classification: Uncertain significance. Last evaluated: 2026-04-03. Review status: criteria provided, single submitter. Criteria: GeneDx Variant Classification Process June 2021. Collection method: clinical testing. Allele origin: germline.
Comment: Not observed at significant frequency in large population cohorts (gnomAD); Has not been previously published as pathogenic or benign to our knowledge; In silico analysis suggests this variant may impact gene splicing. In the absence of RNA/functional studies, the actual effect of this sequence change is unknown.